The following is an entry in ClinVar:

ClinVar aggregate classification (germline): Uncertain significance (1 of 4 stars; one submission).

Conditions:
Familial sleep-related hypermotor epilepsy. Also called: Autosomal Dominant Sleep-Related Hypermotor (Hyperkinetic) Epilepsy. Identifiers: Orphanet 98784, MedGen C3696898, MONDO:0000030.

Allele frequency attached by ClinVar (database versions not stated): gnomAD exomes below 0.00001.
gnomAD v4.1: 1 of 1,597,912 alleles (0.000063%); highest among the groups gnomAD compares: African/African-American, 0.0013%; no homozygotes.

Submission:

Labcorp Genetics (formerly Invitae), Labcorp
Classification: Uncertain significance. Last evaluated: 2022-06-27. Review status: criteria provided, single submitter. Criteria: Invitae Variant Classification Sherloc (09022015). Collection method: clinical testing. Allele origin: germline.
Comment: In summary, the available evidence is currently insufficient to determine the role of this variant in disease. Therefore, it has been classified as a Variant of Uncertain Significance. Advanced modeling of protein sequence and biophysical properties (such as structural, functional, and spatial information, amino acid conservation, physicochemical variation, residue mobility, and thermodynamic stability) performed at Invitae indicates that this missense variant is not expected to disrupt CHRNA2 protein function. ClinVar contains an entry for this variant (Variation ID: 1018032). This variant has not been reported in the literature in individuals affected with CHRNA2-related conditions. This variant is not present in population databases (gnomAD no frequency). This sequence change replaces cysteine, which is neutral and slightly polar, with arginine, which is basic and polar, at codon 425 of the CHRNA2 protein (p.Cys425Arg).

NM_000742.4(CHRNA2):c.1273T>C (p.Cys425Arg)

Gene: CHRNA2 (cholinergic receptor nicotinic alpha 2 subunit; minus strand). Cytogenetic location: 8p21.2.
Variant type: single nucleotide variant.
Coding change: c.1273T>C on transcript NM_000742.4 (MANE Select); coding-DNA position 1273, T replaced by C.
Protein change: p.Cys425Arg; replaces cysteine 425 with arginine.
Molecular consequence: missense variant.
Genome position (GRCh38, 1-based): chr8:27,463,170, A>G on the plus strand (T>C on the coding strand, the complement: CHRNA2 is on the minus strand). VCF-style: chr8-27463170-A-G. GRCh37 (hg19) VCF-style: chr8-27320687-A-G.
Other names: c.1228T>C, p.Cys410Arg (NM_001282455.2); c.796T>C, p.Cys266Arg (NM_001347705.2, NM_001347706.2); c.679T>C, p.Cys227Arg (NM_001347707.2, NM_001347708.2); short protein forms C227R, C266R, C410R, C425R.
Identifiers: ClinVar variation 1018032 (VCV001018032.5), dbSNP rs1179640861, ClinGen allele CA370808997.